The following is an entry in ClinVar:

ClinVar aggregate classification (germline): Uncertain significance. Review status: criteria provided, multiple submitters, no conflicts (2 of 4 stars). 2 submissions from 2 submitters: Uncertain significance (2). Last evaluated 2024-08-19.

Conditions:
Cardiovascular phenotype. Identifiers: MedGen CN230736.
Arrhythmogenic right ventricular dysplasia 11. Also called: Arrhythmogenic Right Ventricular Dysplasia/Cardiomyopathy11; ARRHYTHMOGENIC RIGHT VENTRICULAR DYSPLASIA, FAMILIAL, 11; Arrhythmogenic right ventricular dysplasia 11 with mild palmoplantar keratoderma and woolly hair. Identifiers: MedGen C1864850, MONDO:0012506, OMIM 610476.

Submissions (2):

Labcorp Genetics (formerly Invitae), Labcorp
Classification: Uncertain significance for Arrhythmogenic right ventricular dysplasia 11. Last evaluated: 2024-08-19. Review status: criteria provided, single submitter. Criteria: Invitae Variant Classification Sherloc (09022015). Collection method: clinical testing. Allele origin: germline.
Comment: This variant, c.1637_1639del, results in the deletion of 1 amino acid(s) of the DSC2 protein (p.Asn546del), but otherwise preserves the integrity of the reading frame. This variant is present in population databases (no rsID available, gnomAD 0.0009%). This variant has not been reported in the literature in individuals affected with DSC2-related conditions. Experimental studies and prediction algorithms are not available or were not evaluated, and the functional significance of this variant is currently unknown. In summary, the available evidence is currently insufficient to determine the role of this variant in disease. Therefore, it has been classified as a Variant of Uncertain Significance.

Ambry Genetics
Classification: Uncertain significance for Cardiovascular phenotype. Last evaluated: 2016-10-07. Review status: criteria provided, single submitter. Criteria: Ambry Variant Classification Scheme 2023. Collection method: clinical testing. Allele origin: germline.
Comment: The c.1637_1639delATA variant (also known as p.N546del) is located in coding exon 11 of the DSC2 gene. This variant results from an in-frame deletion of 3 nucleotides at positions 1637 to 1639, causing the removal of a well-conserved asparagine residue at codon 546. This variant was not reported in population based cohorts in the following databases: ExAC, Database of Single Nucleotide Polymorphisms (dbSNP), NHLBI Exome Sequencing Project (ESP), and 1000 Genomes Project. In the ESP, this variant was not observed in 6503 samples (13006 alleles) with coverage at this position. Since supporting evidence for this variant is limited at this time, the clinical significance of this variant remains unclear.

NM_024422.6(DSC2):c.1634ATA[1] (p.Asn546del)

Gene: DSC2 (desmocollin 2; minus strand). Cytogenetic location: 18q12.1.
Variant type: Microsatellite.
Coding change: c.1634ATA[1] on transcript NM_024422.6 (MANE Select); one copy of the 3-base unit ATA starting at c.1634; the reference has two copies in a row; one copy, 3 bases deleted.
Protein change: p.Asn546del; deletes asparagine 546.
Molecular consequence: inframe deletion.
Genome position (GRCh38, 1-based): chr18:31,079,871-31,079,873, TAT deleted on the plus strand (ATA on the coding strand, the reverse complement: DSC2 is on the minus strand); deleting any 3 consecutive bases within chr18:31,079,871-31,079,876 gives the same sequence; the position shown is the placement nearest the transcript's 3' end. VCF-style (leftmost placement, unchanged base first): chr18-31079870-ATAT-A. GRCh37 (hg19) VCF-style: chr18-28659836-ATAT-A.
Other names: c.1634ATA[1], p.Asn546del (NM_004949.5); short protein forms N546del.
Identifiers: ClinVar variation 519336 (VCV000519336.7), dbSNP rs1485939608, ClinGen allele CA629453079.